The following is an entry in ClinVar:

NM_000293.3(PHKB):c.2427+977C>T

Gene: PHKB (phosphorylase kinase regulatory subunit beta; plus strand). Cytogenetic location: 16q12.1.
Variant type: single nucleotide variant.
Coding change: c.2427+977C>T on transcript NM_000293.3 (MANE Select); 977 bases into the intron after coding-DNA position 2427, C replaced by T.
Molecular consequence: intron variant. On other transcripts: missense variant (2).
Genome position (GRCh38, 1-based): chr16:47,665,952, C>T. VCF-style: chr16-47665952-C-T. GRCh37 (hg19) VCF-style: chr16-47699863-C-T.
Other names: c.2326C>T, p.Arg776Cys (NM_001031835.3); c.2347C>T, p.Arg783Cys (NM_001363837.1); short protein forms R776C, R783C.
Identifiers: ClinVar variation 2903495 (VCV002903495.8), dbSNP rs760569328, ClinGen allele CA8041216.
Genomic context (GRCh38, chr16:47,665,952, plus strand): 5'-TCATCTTTTAGATTTGTGAACATCTGGCCTGCTCTCTTCTTTGCCCCCAGGTCGGTTGTA[C>T]GCCGTGCAGCAAGTCTTTTAAGTAAAGTAGTGGACAGCCTGGCCCCATCCATTACTAATG-3'

ClinVar aggregate classification (germline): Conflicting classifications of pathogenicity. Review status: criteria provided, conflicting classifications (1 of 4 stars). 3 submissions from 3 submitters: Pathogenic (1); Likely benign (2). Last evaluated 2025-12-15.

Conditions:
Glycogen storage disease IXb (GSD9B). Also called: GLYCOGENOSIS OF LIVER AND MUSCLE, AUTOSOMAL RECESSIVE; GSD IXb; PHOSPHORYLASE KINASE DEFICIENCY OF LIVER AND MUSCLE, AUTOSOMAL RECESSIVE. Identifiers: Orphanet 79240, MedGen C0543514, MONDO:0009868, OMIM 261750.
Mitochondrial disease. Also called: Mitochondrial disorder; Mitochondrial disorders. Identifiers: Orphanet 68380, MedGen C0751651, MeSH D028361, MONDO:0044970.

Allele frequency attached by ClinVar (database versions not stated): gnomAD 0.00001; TOPMed 0.00001; ExAC 0.00002; gnomAD exomes 0.00003.
gnomAD v4.1: 53 of 1,613,338 alleles (0.0033%); highest among the groups gnomAD compares: South Asian, 0.011%; no homozygotes.

Submissions (3):

Labcorp Genetics (formerly Invitae), Labcorp
Classification: Likely benign for Glycogen storage disease IXb. Last evaluated: 2025-12-15. Review status: criteria provided, single submitter. Criteria: Invitae Variant Classification Sherloc (09022015). Collection method: clinical testing. Allele origin: germline.

Women's Health and Genetics/Laboratory Corporation of America, LabCorp
Classification: Likely benign. Last evaluated: 2025-01-09. Review status: criteria provided, single submitter. Criteria: LabCorp Variant Classification Summary - May 2015. Collection method: clinical testing. Allele origin: germline.
Comment: Variant summary: PHKB c.2427+977C>T, also reported as c.2326C>T p.R776C on NM_001031835.3, is located at a position not widely known to affect splicing. Consensus agreement among computation tools predict no significant impact on normal splicing. However, these predictions have yet to be confirmed by functional studies. The variant allele was found at a frequency of 3.2e-05 in 249338 control chromosomes. The available data on variant occurrences in the general population are insufficient to allow any conclusion about variant significance. These report(s) do not provide unequivocal conclusions about association of the variant with Glycogen Phosphorylase Kinase Deficiency. To our knowledge, no experimental evidence demonstrating an impact on protein function has been reported. The following publications have been ascertained in the context of this evaluation (PMID: 35038814, 34732400). ClinVar contains an entry for this variant (Variation ID: 2903495). Based on the evidence outlined above, the variant was classified as likely benign.

Cambridge Genomics Laboratory, East Genomic Laboratory Hub, NHS Genomic Medicine Service
Classification: Pathogenic for Mitochondrial disease. Last evaluated: 2020-03-16. Review status: criteria provided, single submitter. Criteria: ACGS Best Practice Guidelines for Variant Classification in Rare Disease 2020. Collection method: clinical testing. Allele origin: germline. Affected: yes. Observed: 1 variant allele.

Literature cited by the submitters: PubMed 34732400 (cited by Women's Health and Genetics/Laboratory Corporation of America, LabCorp); PubMed 35038814 (cited by Women's Health and Genetics/Laboratory Corporation of America, LabCorp).